The following is an entry in ClinVar:

NM_080425.4(GNAS):c.1020C>T (p.Ser340=)

Gene: GNAS (GNAS complex locus; plus strand). Cytogenetic location: 20q13.32.
Variant type: single nucleotide variant.
Coding change: c.1020C>T on transcript NM_080425.4 (MANE Plus Clinical); coding-DNA position 1020, C replaced by T.
Protein change: p.Ser340=; no amino-acid change (serine 340 retained).
Molecular consequence: synonymous variant. On other transcripts: missense variant (2), intron variant (3).
Genome position (GRCh38, 1-based): chr20:58,854,285, C>T. VCF-style: chr20-58854285-C-T. GRCh37 (hg19) VCF-style: chr20-57429340-C-T.
Other names: c.833C>T, p.Pro278Leu (NM_001077490.3, NM_001309883.1); c.1020C>T, p.Ser340= (NM_001410913.1); c.*42+13399C>T (NM_016592.5); c.43+13399C>T (NM_001410912.1); c.-39+12410C>T (NM_001309861.2); short protein forms P278L.
Identifiers: ClinVar variation 3911472 (VCV003911472.5).
Genomic context (GRCh38, chr20:58,854,285, plus strand): 5'-CACTCCCGTCAACATGGACAGCCCCCCAATCGCGCTTGACGGCCCGCCCATCAAGGTCTC[C>T]GGAGCCCCAGATAAGAGAGAGCGAGCAGAGAGACCCCCAGTTGAGGAGGAAGCAGCAGAG-3'
Protein context (NP_536350.2, residues 330-350): IALDGPPIKV[Ser340=]GAPDKRERAE

ClinVar aggregate classification (germline): Likely benign. Review status: criteria provided, multiple submitters, no conflicts (2 of 4 stars). 2 submissions from 2 submitters: Likely benign (2). Last evaluated 2026-03-01.

gnomAD v4.1: 208 of 1,609,570 alleles (0.013%); highest among the groups gnomAD compares: Non-Finnish European, 0.017%; no homozygotes.

Submissions (2):

CeGaT Center for Human Genetics Tuebingen
Classification: Likely benign. Last evaluated: 2026-03-01. Review status: criteria provided, single submitter. Criteria: CeGaT Center For Human Genetics Tuebingen Variant Classification Criteria Version 2. Collection method: clinical testing. Allele origin: germline. Affected: yes. Observed: 1 variant allele.
Comment: GNAS: BP4, BS2

Laboratory of Genetics, Children's Clinical University Hospital Latvia
Classification: Likely benign. Last evaluated: 2025-02-16. Review status: criteria provided, single submitter. Criteria: ACMG Guidelines, 2015. Collection method: clinical testing. Allele origin: germline. Affected: yes.